The following is an entry in ClinVar:

ClinVar aggregate classification (germline): Likely pathogenic (1 of 4 stars; one submission).

Conditions:
Autosomal recessive nonsyndromic hearing loss 48. Also called: Deafness, autosomal recessive 48; Usher Syndrome Type 1J. Identifiers: Orphanet 231169, Orphanet 886, Orphanet 90636, MedGen C1836199, MONDO:0012273, OMIM 609439.

Submission:

Juno Genomics, Hangzhou Juno Genomics, Inc
Classification: Likely pathogenic for Autosomal recessive nonsyndromic hearing loss 48. Review status: criteria provided, single submitter. Criteria: ACMG Guidelines, 2015. Collection method: clinical testing. Allele origin: germline.
Comment: Null variant in a gene where loss of function (LOF) is a known mechanism of disease.;Absent from controls (or at extremely low frequency if recessive) in Genome Aggregation Database.

NM_006383.4(CIB2):c.86+1G>C

Gene: CIB2 (calcium and integrin binding family member 2; minus strand). Cytogenetic location: 15q25.1.
Variant type: single nucleotide variant.
Coding change: c.86+1G>C on transcript NM_006383.4 (MANE Select); the canonical splice donor site of the intron after coding-DNA position 86, G replaced by C.
Molecular consequence: splice donor variant. On other transcripts: intron variant (2).
Genome position (GRCh38, 1-based): chr15:78,123,704, C>G on the plus strand (G>C on the coding strand, the complement: CIB2 is on the minus strand). VCF-style: chr15-78123704-C-G. GRCh37 (hg19) VCF-style: chr15-78416046-C-G.
Other names: c.51+7461G>C (NM_001271889.2); c.-44+7461G>C (NM_001271888.2); c.86+1G>C (NM_001301224.2).
Identifiers: ClinVar variation 5005464 (VCV005005464.2).